The following is an entry in ClinVar:

NC_000014.8:g.(?_75469694)_(75489741_?)del

Genes: EIF2B2 (eukaryotic translation initiation factor 2B subunit beta; plus strand), MLH3 (mutL homolog 3; minus strand). Cytogenetic location: 14q24.3.
Variant type: Deletion.
Identifiers: ClinVar variation 3244088 (VCV003244088.1).

ClinVar aggregate classification (germline): Pathogenic (1 of 4 stars; one submission).

Submission:

Labcorp Genetics (formerly Invitae), Labcorp
Classification: Pathogenic. Last evaluated: 2023-11-17. Review status: criteria provided, single submitter. Criteria: Invitae Variant Classification Sherloc (09022015). Collection method: clinical testing. Allele origin: unknown.
Comment: A gross deletion of the genomic region encompassing the full coding sequence of the EIF2B2 gene has been identified. Loss-of-function variants in EIF2B2 are known to be pathogenic (PMID: 11704758, 12707859). The boundaries of this event are unknown as they extend beyond the assayed region for this gene and therefore may encompass additional genes. This variant has not been reported in the literature in individuals affected with EIF2B2-related conditions. For these reasons, this variant has been classified as Pathogenic.

Literature cited by the submitters: PubMed 11704758; PubMed 12707859.